The following is an entry in ClinVar:

ClinVar aggregate classification (germline): Likely benign. Review status: criteria provided, multiple submitters, no conflicts (2 of 4 stars). 2 submissions from 2 submitters: Likely benign (2). Last evaluated 2025-08-11.

Conditions:
Hereditary sensory and autonomic neuropathy type 7. Also called: HSAN VII; Neuropathy, hereditary sensory and autonomic, type VII. Identifiers: Orphanet 391397, MedGen C3809882, MONDO:0014244, OMIM 615548.
Familial episodic pain syndrome with predominantly lower limb involvement. Also called: Episodic pain syndrome, familial, 3. Identifiers: Orphanet 391384, Orphanet 391392, MedGen C3809899, MONDO:0014247, OMIM 615552.

Allele frequency attached by ClinVar (database versions not stated): ExAC 0.00002; gnomAD exomes 0.00002; gnomAD 0.00005 and 0.00006; TOPMed 0.00007.
gnomAD v4.1: 35 of 1,613,798 alleles (0.0022%); highest among the groups gnomAD compares: African/African-American, 0.027%; no homozygotes.

Submissions (2):

Labcorp Genetics (formerly Invitae), Labcorp
Classification: Likely benign for Familial episodic pain syndrome with predominantly lower limb involvement; Hereditary sensory and autonomic neuropathy type 7. Last evaluated: 2025-08-11. Review status: criteria provided, single submitter. Criteria: Invitae Variant Classification Sherloc (09022015). Collection method: clinical testing. Allele origin: germline.

CeGaT Center for Human Genetics Tuebingen
Classification: Likely benign. Last evaluated: 2025-08-01. Review status: criteria provided, single submitter. Criteria: CeGaT Center For Human Genetics Tuebingen Variant Classification Criteria Version 2. Collection method: clinical testing. Allele origin: germline. Affected: yes. Observed: 1 variant allele.
Comment: SCN11A: BP4, BP7

NM_001349253.2(SCN11A):c.4509A>G (p.Leu1503=)

Gene: SCN11A (sodium voltage-gated channel alpha subunit 11; minus strand). Cytogenetic location: 3p22.2.
Variant type: single nucleotide variant.
Coding change: c.4509A>G on transcript NM_001349253.2 (MANE Select); coding-DNA position 4509, A replaced by G.
Protein change: p.Leu1503=; no amino-acid change (leucine 1503 retained).
Molecular consequence: synonymous variant.
Genome position (GRCh38, 1-based): chr3:38,847,561, T>C on the plus strand (A>G on the coding strand, the complement: SCN11A is on the minus strand). VCF-style: chr3-38847561-T-C. GRCh37 (hg19) VCF-style: chr3-38889052-T-C.
Other names: c.4509A>G, p.Leu1503= (NM_014139.3).
Identifiers: ClinVar variation 784759 (VCV000784759.16), dbSNP rs770794467, ClinGen allele CA2321503.